The following is an entry in ClinVar:

ClinVar aggregate classification (germline): Uncertain significance. Review status: criteria provided, multiple submitters, no conflicts (2 of 4 stars). 2 submissions from 2 submitters: Uncertain significance (2). Last evaluated 2025-09-21.

Conditions:
Inborn genetic diseases. Identifiers: MedGen C0950123, MeSH D030342.

Allele frequency attached by ClinVar (database versions not stated): gnomAD exomes 0.00001; ExAC 0.00002; ESP Exome Variant Server 0.00008.
gnomAD v4.1: 14 of 1,613,366 alleles (0.00087%); highest among the groups gnomAD compares: Non-Finnish European, 0.0012%; no homozygotes.

Submissions (2):

Ambry Genetics
Classification: Uncertain significance for Inborn genetic diseases. Last evaluated: 2025-09-21. Review status: criteria provided, single submitter. Criteria: Ambry Variant Classification Scheme 2023. Collection method: clinical testing. Allele origin: germline.

Labcorp Genetics (formerly Invitae), Labcorp
Classification: Uncertain significance. Last evaluated: 2021-10-03. Review status: criteria provided, single submitter. Criteria: Invitae Variant Classification Sherloc (09022015). Collection method: clinical testing. Allele origin: germline.
Comment: This sequence change replaces arginine with tryptophan at codon 234 of the PRKN protein (p.Arg234Trp). The arginine residue is moderately conserved and there is a moderate physicochemical difference between arginine and tryptophan. This variant is present in population databases (rs373822092, ExAC 0.004%). This variant has not been reported in the literature in individuals affected with PRKN-related conditions. Advanced modeling of protein sequence and biophysical properties (such as structural, functional, and spatial information, amino acid conservation, physicochemical variation, residue mobility, and thermodynamic stability) performed at Invitae indicates that this missense variant is expected to disrupt PRKN protein function. In summary, the available evidence is currently insufficient to determine the role of this variant in disease. Therefore, it has been classified as a Variant of Uncertain Significance.

NM_004562.3(PRKN):c.700C>T (p.Arg234Trp)

Gene: PRKN (parkin RBR E3 ubiquitin protein ligase; minus strand). Cytogenetic location: 6q26.
Variant type: single nucleotide variant.
Coding change: c.700C>T on transcript NM_004562.3 (MANE Select); coding-DNA position 700, C replaced by T.
Protein change: p.Arg234Trp; replaces arginine 234 with tryptophan.
Molecular consequence: missense variant.
Genome position (GRCh38, 1-based): chr6:161,973,336, G>A on the plus strand (C>T on the coding strand, the complement: PRKN is on the minus strand). VCF-style: chr6-161973336-G-A. GRCh37 (hg19) VCF-style: chr6-162394368-G-A.
Other names: c.616C>T, p.Arg206Trp (NM_013987.3); c.253C>T, p.Arg85Trp (NM_013988.3); c.700C>T (NM_004562.2); short protein forms R234W, R206W, R85W.
Identifiers: ClinVar variation 1352734 (VCV001352734.7), dbSNP rs373822092, ClinGen allele CA4090271.